The following is an entry in ClinVar:

ClinVar aggregate classification (germline): Uncertain significance (1 of 4 stars; one submission).

Conditions:
Aicardi-Goutieres syndrome 3. Identifiers: Orphanet 51, MedGen C1835916, MONDO:0012471, OMIM 610329.

Allele frequency attached by ClinVar (database versions not stated): gnomAD exomes 0.00001.
gnomAD v4.1: 8 of 1,614,238 alleles (0.0005%); highest among the groups gnomAD compares: Non-Finnish European, 0.00068%; no homozygotes.

Submission:

Labcorp Genetics (formerly Invitae), Labcorp
Classification: Uncertain significance for Aicardi-Goutieres syndrome 3. Last evaluated: 2022-01-28. Review status: criteria provided, single submitter. Criteria: Invitae Variant Classification Sherloc (09022015). Collection method: clinical testing. Allele origin: germline.
Comment: Algorithms developed to predict the effect of missense changes on protein structure and function output the following: SIFT: "Deleterious"; PolyPhen-2: "Benign"; Align-GVGD: "Class C0". The valine amino acid residue is found in multiple mammalian species, which suggests that this missense change does not adversely affect protein function. In summary, the available evidence is currently insufficient to determine the role of this variant in disease. Therefore, it has been classified as a Variant of Uncertain Significance. ClinVar contains an entry for this variant (Variation ID: 836445). This variant has not been reported in the literature in individuals affected with RNASEH2C-related conditions. This variant is not present in population databases (gnomAD no frequency). This sequence change replaces leucine, which is neutral and non-polar, with valine, which is neutral and non-polar, at codon 79 of the RNASEH2C protein (p.Leu79Val).

NM_032193.4(RNASEH2C):c.235C>G (p.Leu79Val)

Gene: RNASEH2C (ribonuclease H2 subunit C; minus strand). Cytogenetic location: 11q13.1.
Variant type: single nucleotide variant.
Coding change: c.235C>G on transcript NM_032193.4 (MANE Select); coding-DNA position 235, C replaced by G.
Protein change: p.Leu79Val; replaces leucine 79 with valine.
Molecular consequence: missense variant.
Genome position (GRCh38, 1-based): chr11:65,720,355, G>C on the plus strand (C>G on the coding strand, the complement: RNASEH2C is on the minus strand). VCF-style: chr11-65720355-G-C. GRCh37 (hg19) VCF-style: chr11-65487826-G-C.
Other names: short protein forms L79V.
Identifiers: ClinVar variation 836445 (VCV000836445.9), dbSNP rs1857352526, ClinGen allele CA381298951.